The following is an entry in ClinVar:

ClinVar aggregate classification (germline): Uncertain significance (1 of 4 stars; one submission).

Allele frequency attached by ClinVar (database versions not stated): gnomAD exomes below 0.00001; ExAC 0.00001; gnomAD 0.00001; TOPMed 0.00001.
gnomAD v4.1: 4 of 1,613,416 alleles (0.00025%); highest among the groups gnomAD compares: Admixed American, 0.0017%; no homozygotes.

Submission:

Labcorp Genetics (formerly Invitae), Labcorp
Classification: Uncertain significance. Last evaluated: 2019-10-28. Review status: criteria provided, single submitter. Criteria: Invitae Variant Classification Sherloc (09022015). Collection method: clinical testing. Allele origin: germline.
Comment: Algorithms developed to predict the effect of sequence changes on RNA splicing suggest that this variant may create or strengthen a splice site, but this prediction has not been confirmed by published transcriptional studies. In summary, the available evidence is currently insufficient to determine the role of this variant in disease. Therefore, it has been classified as a Variant of Uncertain Significance. Algorithms developed to predict the effect of missense changes on protein structure and function are either unavailable or do not agree on the potential impact of this missense change (SIFT: "Deleterious"; PolyPhen-2: "Probably Damaging"; Align-GVGD: "Class C0"). This sequence change replaces tyrosine with cysteine at codon 492 of the CTR9 protein (p.Tyr492Cys). The tyrosine residue is moderately conserved and there is a large physicochemical difference between tyrosine and cysteine. This variant is present in population databases (rs750999734, ExAC 0.009%). This variant has not been reported in the literature in individuals with CTR9-related conditions.

NM_014633.5(CTR9):c.1475A>G (p.Tyr492Cys)

Genes: CTR9 (CTR9 component of Paf1/RNA polymerase II complex; plus strand), LOC126861140 (CDK7 strongly-dependent group 2 enhancer GRCh37_chr11:10785333-10786532; plus strand). Cytogenetic location: 11p15.4.
Variant type: single nucleotide variant.
Coding change: c.1475A>G on transcript NM_014633.5 (MANE Select); coding-DNA position 1475, A replaced by G.
Protein change: p.Tyr492Cys; replaces tyrosine 492 with cysteine.
Molecular consequence: missense variant.
Genome position (GRCh38, 1-based): chr11:10,764,609, A>G. VCF-style: chr11-10764609-A-G. GRCh37 (hg19) VCF-style: chr11-10786156-A-G.
Other names: c.1475A>G, p.Tyr492Cys (NM_001346279.2); short protein forms Y492C.
Identifiers: ClinVar variation 971563 (VCV000971563.10), dbSNP rs750999734, ClinGen allele CA5885111.
Genomic context (GRCh38, chr11:10,764,609, plus strand): 5'-AATATTTTTTGGCGTCATTGGACCGTGCAAAAGCAGAAGCGGAACACGATGAGCATTACT[A>G]TAACGCCATTTCCGTTACCACGTCATATAATCTCGCCAGGCTATATGAGGCGATGTGTGA-3'
Protein context (NP_055448.1, residues 482-502): KAEAEHDEHY[Tyr492Cys]NAISVTTSYN